The following is an entry in ClinVar:

ClinVar aggregate classification (germline): Uncertain significance. Review status: criteria provided, multiple submitters, no conflicts (2 of 4 stars). 2 submissions from 2 submitters: Uncertain significance (2). Last evaluated 2025-11-12.

Submissions (2):

Women's Health and Genetics/Laboratory Corporation of America, LabCorp
Classification: Uncertain significance. Last evaluated: 2025-11-12. Review status: criteria provided, single submitter. Criteria: LabCorp Variant Classification Summary - May 2015. Collection method: clinical testing. Allele origin: germline.
Comment: Variant summary: ADNP c.-5-6dupC is located in the untranslated mRNA region upstream of the initiation codon. The variant was absent in 245258 control chromosomes. The available data on variant occurrences in the general population are insufficient to allow any conclusion about variant significance. To our knowledge, no occurrence of c.-5-6dupC in individuals affected with ADNP-related conditions and no experimental evidence demonstrating its impact on protein function have been reported. ClinVar contains an entry for this variant (Variation ID: 2502605). Based on the evidence outlined above, the variant was classified as uncertain significance.

GeneDx
Classification: Uncertain significance. Last evaluated: 2023-10-24. Review status: criteria provided, single submitter. Criteria: GeneDx Variant Classification Process June 2021. Collection method: clinical testing. Allele origin: germline.
Comment: Not observed at significant frequency in large population cohorts (gnomAD); In silico analysis supports that this variant does not alter splicing; Has not been previously published as pathogenic or benign to our knowledge

NM_001282531.3(ADNP):c.-5-6dup

Gene: ADNP (activity dependent neuroprotector homeobox; minus strand). Cytogenetic location: 20q13.13.
Variant type: Duplication.
Coding change: c.-5-6dup on transcript NM_001282531.3 (MANE Select); 6 bases into the intron before 5 bases upstream of the start codon, one base duplicated (C; older notation c.-5-6dupC).
Molecular consequence: intron variant.
Genome position (GRCh38, 1-based): chr20:50,904,007, G duplicated on the plus strand (C on the coding strand, the reverse complement: ADNP is on the minus strand); the first of 2 consecutive G bases (chr20:50,904,007-50,904,008); duplicating either gives the same sequence. VCF-style (leftmost placement, unchanged base first): chr20-50904006-T-TG. GRCh37 (hg19) VCF-style: chr20-49520543-T-TG.
Other names: c.-5-6dupC (NM_015339.5); c.-5-6dup (NM_181442.4, NM_001347511.2, NM_015339.5 and 1 more transcripts).
Identifiers: ClinVar variation 2502605 (VCV002502605.3), dbSNP rs753401142, ClinGen allele CA9908967.